The following is an entry in ClinVar:

ClinVar aggregate classification (germline): Uncertain significance. Review status: criteria provided, multiple submitters, no conflicts (2 of 4 stars). 4 submissions from 4 submitters: Uncertain significance (4). Last evaluated 2024-12-07.

Conditions:
Hereditary cancer-predisposing syndrome. Also called: Tumor predisposition; Neoplastic Syndromes, Hereditary; Hereditary Cancer Syndrome; Hereditary neoplastic syndrome. Identifiers: Orphanet 140162, MedGen C0027672, MeSH D009386, MONDO:0015356.
Multiple endocrine neoplasia, type 1 (MEN1). Also called: MEN I; WERMER SYNDROME; Endocrine adenomatosis multiple; MEN 1; MEA I. Identifiers: Orphanet 652, MedGen C0025267, MeSH D018761, MONDO:0007540, OMIM 131100.

Allele frequency attached by ClinVar (database versions not stated): ExAC 0.00001; gnomAD exomes 0.00001.
gnomAD v4.1: 15 of 1,614,128 alleles (0.00093%); highest among the groups gnomAD compares: Non-Finnish European, 0.0013%; no homozygotes.

Submissions (4):

Ambry Genetics
Classification: Uncertain significance for Hereditary cancer-predisposing syndrome. Last evaluated: 2024-12-07. Review status: criteria provided, single submitter. Criteria: Ambry Variant Classification Scheme 2023. Collection method: clinical testing. Allele origin: germline.
Comment: The p.E387K variant (also known as c.1159G>A), located in coding exon 7 of the MEN1 gene, results from a G to A substitution at nucleotide position 1159. The glutamic acid at codon 387 is replaced by lysine, an amino acid with similar properties. This amino acid position is well conserved in available vertebrate species. In addition, the in silico prediction for this alteration is inconclusive. Since supporting evidence is limited at this time, the clinical significance of this alteration remains unclear.

Labcorp Genetics (formerly Invitae), Labcorp
Classification: Uncertain significance for Multiple endocrine neoplasia, type 1. Last evaluated: 2024-04-18. Review status: criteria provided, single submitter. Criteria: Invitae Variant Classification Sherloc (09022015). Collection method: clinical testing. Allele origin: germline.
Comment: This sequence change replaces glutamic acid, which is acidic and polar, with lysine, which is basic and polar, at codon 387 of the MEN1 protein (p.Glu387Lys). This variant is present in population databases (rs773978650, gnomAD 0.002%). This variant has not been reported in the literature in individuals affected with MEN1-related conditions. ClinVar contains an entry for this variant (Variation ID: 403823). Advanced modeling of protein sequence and biophysical properties (such as structural, functional, and spatial information, amino acid conservation, physicochemical variation, residue mobility, and thermodynamic stability) has been performed at Invitae for this missense variant, however the output from this modeling did not meet the statistical confidence thresholds required to predict the impact of this variant on MEN1 protein function. In summary, the available evidence is currently insufficient to determine the role of this variant in disease. Therefore, it has been classified as a Variant of Uncertain Significance.

All of Us Research Program, National Institutes of Health
Classification: Uncertain significance for Multiple endocrine neoplasia, type 1. Last evaluated: 2023-11-20. Review status: criteria provided, single submitter. Criteria: ACMG Guidelines, 2015. Collection method: clinical testing. Allele origin: germline. Inheritance: Autosomal dominant inheritance. Observed: 1 variant allele, 1 heterozygote.
Comment: This missense variant replaces glutamic acid with lysine at codon 387 of the MEN1 protein. Computational prediction is inconclusive regarding the impact of this variant on protein structure and function (internally defined REVEL score threshold 0.5 < inconclusive < 0.7, PMID: 27666373). To our knowledge, functional studies have not been reported for this variant. This variant has not been reported in individuals affected with MEN1-related disorders in the literature. This variant has been identified in 2/251210 chromosomes in the general population by the Genome Aggregation Database (gnomAD). The available evidence is insufficient to determine the role of this variant in disease conclusively. Therefore, this variant is classified as a Variant of Uncertain Significance.

This study involves interpretation of variants in research participants for the purpose of population health screening. Participant phenotype was not available at the time of variant classification. Additional details can be found in publication PMID: 35346344, PMCID: PMC8962531

Baylor Genetics
Classification: Uncertain significance for Multiple Endocrine Neoplasia Type 1. Last evaluated: 2023-05-04. Review status: criteria provided, single submitter. Criteria: ACMG Guidelines, 2015. Collection method: clinical testing. Allele origin: unknown.

NM_001370259.2(MEN1):c.1159G>A (p.Glu387Lys)

Gene: MEN1 (menin 1; minus strand). Cytogenetic location: 11q13.1.
Variant type: single nucleotide variant.
Coding change: c.1159G>A on transcript NM_001370259.2 (MANE Select); coding-DNA position 1159, G replaced by A.
Protein change: p.Glu387Lys; replaces glutamic acid 387 with lysine.
Molecular consequence: missense variant.
Genome position (GRCh38, 1-based): chr11:64,805,661, C>T on the plus strand (G>A on the coding strand, the complement: MEN1 is on the minus strand). VCF-style: chr11-64805661-C-T. GRCh37 (hg19) VCF-style: chr11-64573133-C-T.
Other names: c.1174G>A, p.Glu392Lys (NM_000244.4, NM_130800.3, NM_130801.3 and 3 more transcripts); c.1285G>A, p.Glu429Lys (NM_001370251.2); c.1159G>A, p.Glu387Lys (NM_001370260.2, NM_001370261.2, NM_130799.3); c.1054G>A, p.Glu352Lys (NM_001370262.2, NM_001370263.2); short protein forms E392K, E387K, E429K, E352K.
Identifiers: ClinVar variation 403823 (VCV000403823.13), dbSNP rs773978650, ClinGen allele CA060044.
Genomic context (GRCh38, chr11:64,805,661, plus strand): 5'-AGGCTGGACACAGGCTGGAGCTCCAGCCTTTCACCTGGCTTTGCTCCCCCGGCCGCTCCT[C>T]GCCCGCCTCCAGCAAGCTGGCTGCCTCCTTCAGCAGGTTGGGGATGACATCATTGGCTAC-3'
Protein context (NP_001357188.2, residues 377-397): KEAASLLEAG[Glu387Lys]ERPGEQSQGT